The following is an entry in ClinVar:

ClinVar aggregate classification (germline): Uncertain significance (1 of 4 stars; one submission).

Conditions:
PPM1F-related condition.

Submission:

PreventionGenetics, part of Exact Sciences
Classification: Uncertain significance for PPM1F-related condition. Last evaluated: 2026-06-09. Review status: criteria provided, single submitter. Criteria: ACMG Guidelines, 2015. Collection method: clinical testing. Allele origin: germline.
Comment: The PPM1F c.214C>A variant is predicted to result in the amino acid substitution p.Pro72Thr. To our knowledge, this variant has not been reported in the literature or in a large population database (gnomAD), indicating this variant is rare. At this time, the clinical significance of this variant is uncertain due to the absence of conclusive functional and genetic evidence.

NM_014634.4(PPM1F):c.214C>A (p.Pro72Thr)

Genes: PPM1F (protein phosphatase, Mg2+/Mn2+ dependent 1F; minus strand), PPM1F-AS1 (PPM1F antisense RNA 1; plus strand). Cytogenetic location: 22q11.22.
Variant type: single nucleotide variant.
Coding change: c.214C>A on transcript NM_014634.4 (MANE Select); coding-DNA position 214, C replaced by A.
Protein change: p.Pro72Thr; replaces proline 72 with threonine.
Molecular consequence: missense variant. On other transcripts: 5 prime UTR variant (1).
Genome position (GRCh38, 1-based): chr22:21,939,673, G>T on the plus strand (C>A on the coding strand, the complement: PPM1F is on the minus strand). VCF-style: chr22-21939673-G-T. GRCh37 (hg19) VCF-style: chr22-22294045-G-T.
Other names: c.-291C>A (NM_001410836.1); short protein forms P72T.
Identifiers: ClinVar variation 5002354 (VCV005002354.1).